The following is an entry in ClinVar:

NM_002911.4(UPF1):c.2428A>C (p.Ser810Arg)

Gene: UPF1 (UPF1 RNA helicase and ATPase; plus strand). Cytogenetic location: 19p13.11.
Variant type: single nucleotide variant.
Coding change: c.2428A>C on transcript NM_002911.4 (MANE Select); coding-DNA position 2428, A replaced by C.
Protein change: p.Ser810Arg; replaces serine 810 with arginine.
Molecular consequence: missense variant.
Genome position (GRCh38, 1-based): chr19:18,860,953, A>C. VCF-style: chr19-18860953-A-C. GRCh37 (hg19) VCF-style: chr19-18971762-A-C.
Other names: c.2461A>C, p.Ser821Arg (NM_001297549.2); short protein forms S810R, S821R.
Identifiers: ClinVar variation 2504403 (VCV002504403.1), dbSNP rs2512932743, ClinGen allele CA404892932.

ClinVar aggregate classification (germline): Uncertain significance (1 of 4 stars; one submission).

Submission:

GeneDx
Classification: Uncertain significance. Last evaluated: 2022-12-05. Review status: criteria provided, single submitter. Criteria: GeneDx Variant Classification Process June 2021. Collection method: clinical testing. Allele origin: germline. Affected: yes.
Comment: Not observed at significant frequency in large population cohorts (gnomAD); In silico analysis supports that this missense variant does not alter protein structure/function; Has not been previously published as pathogenic or benign to our knowledge